The following is an entry in ClinVar:

ClinVar aggregate classification (germline): Conflicting classifications of pathogenicity. Review status: criteria provided, conflicting classifications (1 of 4 stars). 3 submissions from 3 submitters: Likely pathogenic (1); Uncertain significance (2). Last evaluated 2025-06-05.

Conditions:
Autosomal recessive distal spinal muscular atrophy 1. Also called: SPINAL MUSCULAR ATROPHY, DIAPHRAGMATIC; Spinal muscular atrophy with respiratory distress 1; NEURONOPATHY, SEVERE INFANTILE AXONAL, WITH RESPIRATORY FAILURE; SEVERE INFANTILE AXONAL NEUROPATHY WITH RESPIRATORY FAILURE; NEURONOPATHY, DISTAL HEREDITARY MOTOR, HARDING TYPE VI; NEUROPATHY, DISTAL HEREDITARY MOTOR, AUTOSOMAL RECESSIVE 1. Identifiers: Orphanet 98920, MedGen C1858517, MONDO:0011436, OMIM 604320.
Charcot-Marie-Tooth disease axonal type 2S. Also called: CHARCOT-MARIE-TOOTH NEUROPATHY, TYPE 2S; CHARCOT-MARIE-TOOTH DISEASE, AXONAL, AUTOSOMAL RECESSIVE, TYPE 2S. Identifiers: Orphanet 443073, MedGen C4015349, MONDO:0014511, OMIM 616155.

Allele frequency attached by ClinVar (database versions not stated): TOPMed below 0.00001; gnomAD 0.00001; ExAC 0.00002; gnomAD exomes 0.00002 and 0.00003.

Submissions (3):

Women's Health and Genetics/Laboratory Corporation of America, LabCorp
Classification: Uncertain significance. Last evaluated: 2025-06-05. Review status: criteria provided, single submitter. Criteria: LabCorp Variant Classification Summary - May 2015. Collection method: clinical testing. Allele origin: germline.
Comment: Variant summary: IGHMBP2 c.1274G>A (p.Arg425His) results in a non-conservative amino acid change located in the Helicase superfamily 1/2, ATP-binding domain (IPR014001) of the encoded protein sequence. Algorithms developed to predict the effect of missense changes on protein structure and function all suggest that this variant is likely to be disruptive. The variant allele was found at a frequency of 2.4e-05 in 248022 control chromosomes. The available data on variant occurrences in the general population are insufficient to allow any conclusion about variant significance. c.1274G>A has been observed in individual(s) affected with Charcot-Marie-Tooth disease axonal type 2S, however the variant was found in cis with other variants with unknown classifications (Quaio_2020). These report(s) do not provide unequivocal conclusions about association of the variant with Charcot-Marie-Tooth disease axonal type 2S. A different variant affecting the same codon has been classified as pathogenic by our lab (c.1273C>T, p.Arg425Cys), supporting the critical relevance of codon 425 to IGHMBP2 protein function. To our knowledge, no experimental evidence demonstrating an impact on protein function has been reported. The following publication has been ascertained in the context of this evaluation (PMID: 33258288). ClinVar contains an entry for this variant (Variation ID: 534933). Based on the evidence outlined above, the variant was classified as uncertain significance.

Labcorp Genetics (formerly Invitae), Labcorp
Classification: Likely pathogenic for Autosomal recessive distal spinal muscular atrophy 1; Charcot-Marie-Tooth disease axonal type 2S. Last evaluated: 2025-05-22. Review status: criteria provided, single submitter. Criteria: Invitae Variant Classification Sherloc (09022015). Collection method: clinical testing. Allele origin: germline.
Comment: This sequence change replaces arginine, which is basic and polar, with histidine, which is basic and polar, at codon 425 of the IGHMBP2 protein (p.Arg425His). This variant is present in population databases (rs769046350, gnomAD 0.01%). This missense change has been observed in individual(s) with clinical features of IGHMBP2-related conditions (PMID: 33258288). ClinVar contains an entry for this variant (Variation ID: 534933). Invitae Evidence Modeling of protein sequence and biophysical properties (such as structural, functional, and spatial information, amino acid conservation, physicochemical variation, residue mobility, and thermodynamic stability) indicates that this missense variant is expected to disrupt IGHMBP2 protein function with a positive predictive value of 95%. This variant disrupts the p.Arg425 amino acid residue in IGHMBP2. Other variant(s) that disrupt this residue have been determined to be pathogenic (PMID: 22791546, 30598237, 30863264, 32573669). This suggests that this residue is clinically significant, and that variants that disrupt this residue are likely to be disease-causing. In summary, the currently available evidence indicates that the variant is pathogenic, but additional data are needed to prove that conclusively. Therefore, this variant has been classified as Likely Pathogenic.

Blueprint Genetics
Classification: Uncertain significance. Last evaluated: 2023-03-21. Review status: criteria provided, single submitter. Criteria: ACMG Guidelines, 2015. Collection method: clinical testing. Allele origin: germline.

Literature cited by the submitters: PubMed 33258288 (cited by Women's Health and Genetics/Laboratory Corporation of America, LabCorp and Labcorp Genetics (formerly Invitae), Labcorp); PubMed 22791546 (cited by Labcorp Genetics (formerly Invitae), Labcorp); PubMed 30598237 (cited by Labcorp Genetics (formerly Invitae), Labcorp); PubMed 30863264 (cited by Labcorp Genetics (formerly Invitae), Labcorp); PubMed 32573669 (cited by Labcorp Genetics (formerly Invitae), Labcorp).

NM_002180.3(IGHMBP2):c.1274G>A (p.Arg425His)

Gene: IGHMBP2 (immunoglobulin mu DNA binding protein 2; plus strand). Cytogenetic location: 11q13.3.
Variant type: single nucleotide variant.
Coding change: c.1274G>A on transcript NM_002180.3 (MANE Select); coding-DNA position 1274, G replaced by A.
Protein change: p.Arg425His; replaces arginine 425 with histidine.
Molecular consequence: missense variant.
Genome position (GRCh38, 1-based): chr11:68,933,337, G>A. VCF-style: chr11-68933337-G-A. GRCh37 (hg19) VCF-style: chr11-68700805-G-A.
Other names: short protein forms R425H.
Identifiers: ClinVar variation 534933 (VCV000534933.12), dbSNP rs769046350, ClinGen allele CA6153589.
Genomic context (GRCh38, chr11:68,933,337, plus strand): 5'-CCTTTCTCCCTCCTGGGCGCAGGGCTGCGCTGGCAGGACTGTCACTCAGCCTGATGGAAC[G>A]CCTGGCTGAGGAGTACGGCGCGAGGGTGGTGCGGACACTGACGGTGCAGTACCGCATGCA-3'
Protein context (NP_002171.2, residues 415-435): LAGLSLSLME[Arg425His]LAEEYGARVV